The following is an entry in ClinVar:

ClinVar aggregate classification (germline): Uncertain significance (1 of 4 stars; one submission).

Conditions:
Autosomal recessive limb-girdle muscular dystrophy type 2U. Also called: Muscular dystrophy-dystroglycanopathy (limb-girdle), type c, 7; MUSCULAR DYSTROPHY, LIMB-GIRDLE, TYPE 2U. Identifiers: Orphanet 352479, MedGen C5190987, MONDO:0014474, OMIM 616052.
Muscular dystrophy-dystroglycanopathy (congenital with brain and eye anomalies), type A, 7. Also called: WALKER-WARBURG SYNDROME OR MUSCLE-EYE-BRAIN DISEASE, ISPD-RELATED; Congenital muscular dystrophy-dystroglycanopathy with brain and eye anomalies, type A7. Identifiers: Orphanet 899, MedGen C3553330, MONDO:0013835, OMIM 614643.

Allele frequency attached by ClinVar (database versions not stated): gnomAD exomes 0.00001; TOPMed 0.00002.

Submission:

Labcorp Genetics (formerly Invitae), Labcorp
Classification: Uncertain significance for Muscular dystrophy-dystroglycanopathy (congenital with brain and eye anomalies), type A, 7; Autosomal recessive limb-girdle muscular dystrophy type 2U. Last evaluated: 2022-04-22. Review status: criteria provided, single submitter. Criteria: Invitae Variant Classification Sherloc (09022015). Collection method: clinical testing. Allele origin: germline.
Comment: In summary, the available evidence is currently insufficient to determine the role of this variant in disease. Therefore, it has been classified as a Variant of Uncertain Significance. Algorithms developed to predict the effect of missense changes on protein structure and function are either unavailable or do not agree on the potential impact of this missense change (SIFT: "Deleterious"; PolyPhen-2: "Probably Damaging"; Align-GVGD: "Class C15"). This variant has not been reported in the literature in individuals affected with ISPD-related conditions. This variant is not present in population databases (gnomAD no frequency). This sequence change replaces glycine, which is neutral and non-polar, with arginine, which is basic and polar, at codon 61 of the ISPD protein (p.Gly61Arg).

NM_001101426.4(CRPPA):c.181G>C (p.Gly61Arg)

Genes: CRPPA (CDP-L-ribitol pyrophosphorylase A; minus strand), LOC129998004 (ATAC-STARR-seq lymphoblastoid silent region 17981; plus strand). Cytogenetic location: 7p21.2.
Variant type: single nucleotide variant.
Coding change: c.181G>C on transcript NM_001101426.4 (MANE Select); coding-DNA position 181, G replaced by C.
Protein change: p.Gly61Arg; replaces glycine 61 with arginine.
Molecular consequence: missense variant. On other transcripts: non-coding transcript variant (1).
Genome position (GRCh38, 1-based): chr7:16,421,142, C>G on the plus strand (G>C on the coding strand, the complement: CRPPA is on the minus strand). VCF-style: chr7-16421142-C-G. GRCh37 (hg19) VCF-style: chr7-16460767-C-G.
Other names: c.181G>C, p.Gly61Arg (NM_001101417.4, NM_001368197.1); short protein forms G61R.
Identifiers: ClinVar variation 2164629 (VCV002164629.4), dbSNP rs1244823390, ClinGen allele CA367004065.